The following is an entry in ClinVar:

ClinVar aggregate classification (germline): Uncertain significance (1 of 4 stars; one submission).

Conditions:
Charcot-Marie-Tooth disease type 2R. Also called: CHARCOT-MARIE-TOOTH DISEASE, AXONAL, AUTOSOMAL RECESSIVE, TYPE 2R; Charcot-Marie-Tooth disease, axonal, type 2R; CHARCOT-MARIE-TOOTH NEUROPATHY, TYPE 2R. Identifiers: Orphanet 397968, MedGen C3809655, MONDO:0014208, OMIM 615490.

Submission:

Labcorp Genetics (formerly Invitae), Labcorp
Classification: Uncertain significance for Charcot-Marie-Tooth disease type 2R. Last evaluated: 2023-12-21. Review status: criteria provided, single submitter. Criteria: Invitae Variant Classification Sherloc (09022015). Collection method: clinical testing. Allele origin: germline.
Comment: This sequence change replaces glutamine, which is neutral and polar, with arginine, which is basic and polar, at codon 603 of the TRIM2 protein (p.Gln603Arg). This variant is not present in population databases (gnomAD no frequency). This variant has not been reported in the literature in individuals affected with TRIM2-related conditions. ClinVar contains an entry for this variant (Variation ID: 1976156). An algorithm developed to predict the effect of missense changes on protein structure and function (PolyPhen-2) suggests that this variant is likely to be tolerated. In summary, the available evidence is currently insufficient to determine the role of this variant in disease. Therefore, it has been classified as a Variant of Uncertain Significance.

NM_015271.5(TRIM2):c.1889A>G (p.Gln630Arg)

Gene: TRIM2 (tripartite motif containing 2; plus strand). Cytogenetic location: 4q31.3.
Variant type: single nucleotide variant.
Coding change: c.1889A>G on transcript NM_015271.5 (MANE Select); coding-DNA position 1889, A replaced by G.
Protein change: p.Gln630Arg; replaces glutamine 630 with arginine.
Molecular consequence: missense variant.
Genome position (GRCh38, 1-based): chr4:153,322,754, A>G. VCF-style: chr4-153322754-A-G. GRCh37 (hg19) VCF-style: chr4-154243906-A-G.
Other names: c.1808A>G, p.Gln603Arg (NM_001130067.2, NM_001351056.2, NM_001375512.1 and 5 more transcripts); c.1862A>G, p.Gln621Arg (NM_001351054.2); c.1859A>G, p.Gln620Arg (NM_001351055.2); c.1433A>G, p.Gln478Arg (NM_001351057.2); c.1982A>G, p.Gln661Arg (NM_001375488.1); c.1979A>G, p.Gln660Arg (NM_001375489.1); c.1832A>G, p.Gln611Arg (NM_001375490.1); c.1829A>G, p.Gln610Arg (NM_001375491.1); and 3 more; short protein forms Q621R, Q661R, Q517R, Q518R, Q611R, Q630R, Q660R, Q478R.
Identifiers: ClinVar variation 1976156 (VCV001976156.5), dbSNP rs2546663199, ClinGen allele CA358469501.